The following is an entry in ClinVar:

NM_001098511.3(KIF2A):c.851C>T (p.Ala284Val)

Gene: KIF2A (kinesin family member 2A; plus strand). Cytogenetic location: 5q12.1.
Variant type: single nucleotide variant.
Coding change: c.851C>T on transcript NM_001098511.3 (MANE Select); coding-DNA position 851, C replaced by T.
Protein change: p.Ala284Val; replaces alanine 284 with valine.
Molecular consequence: missense variant.
Genome position (GRCh38, 1-based): chr5:62,358,278, C>T. VCF-style: chr5-62358278-C-T. GRCh37 (hg19) VCF-style: chr5-61654105-C-T.
Other names: c.770C>T, p.Ala257Val (NM_001243952.2); c.794C>T, p.Ala265Val (NM_001243953.2); c.851C>T, p.Ala284Val (NM_004520.5); short protein forms A257V, A265V, A284V.
Identifiers: ClinVar variation 4811317 (VCV004811317.1).

ClinVar aggregate classification (germline): Uncertain significance (1 of 4 stars; one submission).

gnomAD v4.1: 1 of 1,583,464 alleles (0.000063%); highest among the groups gnomAD compares: East Asian, 0.0023%; no homozygotes.

Submission:

Labcorp Genetics (formerly Invitae), Labcorp
Classification: Uncertain significance. Last evaluated: 2025-04-07. Review status: criteria provided, single submitter. Criteria: Invitae Variant Classification Sherloc (09022015). Collection method: clinical testing. Allele origin: germline.
Comment: This sequence change replaces alanine, which is neutral and non-polar, with valine, which is neutral and non-polar, at codon 284 of the KIF2A protein (p.Ala284Val). This variant is not present in population databases (gnomAD no frequency). This variant has not been reported in the literature in individuals affected with KIF2A-related conditions. An algorithm developed to predict the effect of missense changes on protein structure and function (PolyPhen-2) suggests that this variant is likely to be tolerated. In summary, the available evidence is currently insufficient to determine the role of this variant in disease. Therefore, it has been classified as a Variant of Uncertain Significance.